The following is an entry in ClinVar:

NM_003628.6(PKP4):c.2078C>T (p.Thr693Met)

Gene: PKP4 (plakophilin 4; plus strand). Cytogenetic location: 2q24.1.
Variant type: single nucleotide variant.
Coding change: c.2078C>T on transcript NM_003628.6 (MANE Select); coding-DNA position 2078, C replaced by T.
Protein change: p.Thr693Met; replaces threonine 693 with methionine.
Molecular consequence: missense variant.
Genome position (GRCh38, 1-based): chr2:158,658,299, C>T. VCF-style: chr2-158658299-C-T. GRCh37 (hg19) VCF-style: chr2-159514811-C-T.
Other names: c.2078C>T, p.Thr693Met (NM_001005476.4, NM_001304971.2, NM_001377218.1 and 1 more transcripts); c.2075C>T, p.Thr692Met (NM_001304969.3, NM_001377219.1, NM_001377220.1 and 2 more transcripts); c.1049C>T, p.Thr350Met (NM_001304970.3); c.2072C>T, p.Thr691Met (NM_001377222.1, NM_001377223.1); c.2069C>T, p.Thr690Met (NM_001377224.1); short protein forms T350M, T691M, T692M, T690M, T693M.
Identifiers: ClinVar variation 1785491 (VCV001785491.3), dbSNP rs199729721, ClinGen allele CA1920868.
Genomic context (GRCh38, chr2:158,658,299, plus strand): 5'-ACTCTTCTTTTGATGATGATCATAAAATTAAATTTCAGACTTCACTAGTTCTGCGTAACA[C>T]GACAGGTTGCCTAAGGTAAATTCTTTATTTCTTCTTTCCAGTTAATTCTGTGATTAAATA-3'
Protein context (NP_003619.2, residues 683-703): KFQTSLVLRN[Thr693Met]TGCLRNLSSA

ClinVar aggregate classification (germline): Uncertain significance (1 of 4 stars; one submission).

Allele frequency attached by ClinVar (database versions not stated): TOPMed 0.00013; gnomAD exomes 0.00018; ExAC 0.00008; gnomAD 0.00013.
gnomAD v4.1: 281 of 1,591,948 alleles (0.018%); highest among the groups gnomAD compares: Non-Finnish European, 0.02%; no homozygotes.

Submission:

Ambry Genetics
Classification: Uncertain significance. Last evaluated: 2025-10-27. Review status: criteria provided, single submitter. Criteria: Ambry Variant Classification Scheme 2023. Collection method: clinical testing. Allele origin: germline.
Comment: The p.T693M variant (also known as c.2078C>T), located in coding exon 11 of the PKP4 gene, results from a C to T substitution at nucleotide position 2078. The threonine at codon 693 is replaced by methionine, an amino acid with similar properties. This amino acid position is conserved. In addition, the in silico prediction for this alteration is inconclusive. Since supporting evidence is limited at this time, the clinical significance of this alteration remains unclear.